The following is an entry in ClinVar:

NM_005027.4(PIK3R2):c.48C>T (p.Arg16=)

Gene: PIK3R2 (phosphoinositide-3-kinase regulatory subunit 2; plus strand). Cytogenetic location: 19p13.11.
Variant type: single nucleotide variant.
Coding change: c.48C>T on transcript NM_005027.4 (MANE Select); coding-DNA position 48, C replaced by T.
Protein change: p.Arg16=; no amino-acid change (arginine 16 retained).
Molecular consequence: synonymous variant. On other transcripts: non-coding transcript variant (2).
Genome position (GRCh38, 1-based): chr19:18,155,927, C>T. VCF-style: chr19-18155927-C-T. GRCh37 (hg19) VCF-style: chr19-18266737-C-T.
Identifiers: ClinVar variation 3350766 (VCV003350766.2).

ClinVar aggregate classification (germline): Likely benign. Review status: criteria provided, single submitter (1 of 4 stars). 2 submissions from 2 submitters: Likely benign (1). 1 of the submissions does not count toward it. Last evaluated 2025-09-17.

Conditions:
PIK3R2-related disorder. Also called: PIK3R2-related condition.
Megalencephaly-polymicrogyria-postaxial polydactyly-hydrocephalus syndrome. Also called: MPPH Syndrome; MEG-PMG-MEGACC SYNDROME. Identifiers: Orphanet 83473, MedGen C1863924, MONDO:0019375.

gnomAD v4.1: 3 of 1,567,842 alleles (0.00019%); highest among the groups gnomAD compares: Admixed American, 0.0037%; no homozygotes.

Submissions (2):

Labcorp Genetics (formerly Invitae), Labcorp
Classification: Likely benign for Megalencephaly-polymicrogyria-postaxial polydactyly-hydrocephalus syndrome. Last evaluated: 2025-09-17. Review status: criteria provided, single submitter. Criteria: Invitae Variant Classification Sherloc (09022015). Collection method: clinical testing. Allele origin: germline.

PreventionGenetics, part of Exact Sciences
Classification: Likely benign for PIK3R2-related condition. Last evaluated: 2021-01-06. Review status: no assertion criteria provided. Collection method: clinical testing. Allele origin: germline. Not counted in ClinVar's aggregate classification.
Comment: This variant is classified as likely benign based on ACMG/AMP sequence variant interpretation guidelines (Richards et al. 2015 PMID: 25741868, with internal and published modifications).